The following is an entry in ClinVar:

NM_182972.3(IRF2BP2):c.674G>T (p.Gly225Val)

Genes: IRF2BP2 (interferon regulatory factor 2 binding protein 2; minus strand), LOC129932811 (ATAC-STARR-seq lymphoblastoid silent region 1976; plus strand). Cytogenetic location: 1q42.3.
Variant type: single nucleotide variant.
Coding change: c.674G>T on transcript NM_182972.3 (MANE Select); coding-DNA position 674, G replaced by T.
Protein change: p.Gly225Val; replaces glycine 225 with valine.
Molecular consequence: missense variant.
Genome position (GRCh38, 1-based): chr1:234,608,821, C>A on the plus strand (G>T on the coding strand, the complement: IRF2BP2 is on the minus strand). VCF-style: chr1-234608821-C-A. GRCh37 (hg19) VCF-style: chr1-234744567-C-A.
Other names: c.674G>T, p.Gly225Val (NM_001077397.1); short protein forms G225V.
Identifiers: ClinVar variation 2801006 (VCV002801006.3), dbSNP rs2102769638, ClinGen allele CA345309024.
Genomic context (GRCh38, chr1:234,608,821, plus strand): 5'-GCGCTGCTCGACACGGATGCCGGCCGCTTGTGGGCGCCCAGATCGGTGGGCTGCGCGGAG[C>A]CCAGGCTGGCGGCCGCGGTTCCGGACACCGCGGCTAAGGAGGCGGCAGCGCGGCCGCCGA-3'
Protein context (NP_892017.2, residues 215-235): AVSGTAAASL[Gly225Val]SAQPTDLGAH

ClinVar aggregate classification (germline): Uncertain significance (1 of 4 stars; one submission).

Allele frequency attached by ClinVar (database versions not stated): gnomAD exomes 0.00001.

Submission:

Labcorp Genetics (formerly Invitae), Labcorp
Classification: Uncertain significance. Last evaluated: 2024-07-29. Review status: criteria provided, single submitter. Criteria: Invitae Variant Classification Sherloc (09022015). Collection method: clinical testing. Allele origin: germline.
Comment: This sequence change replaces glycine, which is neutral and non-polar, with valine, which is neutral and non-polar, at codon 225 of the IRF2BP2 protein (p.Gly225Val). This variant is not present in population databases (gnomAD no frequency). This variant has not been reported in the literature in individuals affected with IRF2BP2-related conditions. An algorithm developed to predict the effect of missense changes on protein structure and function (PolyPhen-2) suggests that this variant is likely to be disruptive. In summary, the available evidence is currently insufficient to determine the role of this variant in disease. Therefore, it has been classified as a Variant of Uncertain Significance.